The following is an entry in ClinVar:

NM_000553.6(WRN):c.3632T>A (p.Met1211Lys)

Gene: WRN (WRN RecQ like helicase; plus strand). Cytogenetic location: 8p12.
Variant type: single nucleotide variant.
Coding change: c.3632T>A on transcript NM_000553.6 (MANE Select); coding-DNA position 3632, T replaced by A.
Protein change: p.Met1211Lys; replaces methionine 1211 with lysine.
Molecular consequence: missense variant.
Genome position (GRCh38, 1-based): chr8:31,150,400, T>A. VCF-style: chr8-31150400-T-A. GRCh37 (hg19) VCF-style: chr8-31007916-T-A.
Other names: short protein forms M1211K.
Identifiers: ClinVar variation 2006902 (VCV002006902.4), dbSNP rs2130454327, ClinGen allele CA370927785.

ClinVar aggregate classification (germline): Uncertain significance (1 of 4 stars; one submission).

Conditions:
Werner syndrome (WRN). Identifiers: Orphanet 902, MedGen C0043119, MONDO:0010196, OMIM 277700.

Allele frequency attached by ClinVar (database versions not stated): gnomAD exomes below 0.00001.

Submission:

Labcorp Genetics (formerly Invitae), Labcorp
Classification: Uncertain significance for Werner syndrome. Last evaluated: 2023-05-11. Review status: criteria provided, single submitter. Criteria: Invitae Variant Classification Sherloc (09022015). Collection method: clinical testing. Allele origin: germline.
Comment: In summary, the available evidence is currently insufficient to determine the role of this variant in disease. Therefore, it has been classified as a Variant of Uncertain Significance. An algorithm developed to predict the effect of missense changes on protein structure and function (PolyPhen-2) suggests that this variant is likely to be disruptive. ClinVar contains an entry for this variant (Variation ID: 2006902). This variant has not been reported in the literature in individuals affected with WRN-related conditions. This variant is not present in population databases (gnomAD no frequency). This sequence change replaces methionine, which is neutral and non-polar, with lysine, which is basic and polar, at codon 1211 of the WRN protein (p.Met1211Lys).